The following is an entry in ClinVar:

ClinVar aggregate classification (germline): Uncertain significance (1 of 4 stars; one submission).

Allele frequency attached by ClinVar (database versions not stated): ExAC 0.00005; gnomAD exomes 0.00002.
gnomAD v4.1: 11 of 1,608,026 alleles (0.00068%); highest among the groups gnomAD compares: Non-Finnish European, 0.000085%; no homozygotes.

Submission:

Labcorp Genetics (formerly Invitae), Labcorp
Classification: Uncertain significance. Last evaluated: 2025-11-30. Review status: criteria provided, single submitter. Criteria: Invitae Variant Classification Sherloc (09022015). Collection method: clinical testing. Allele origin: germline.
Comment: This sequence change replaces alanine, which is neutral and non-polar, with valine, which is neutral and non-polar, at codon 390 of the GATA5 protein (p.Ala390Val). This variant is present in population databases (rs782020634, gnomAD 0.01%). This variant has not been reported in the literature in individuals affected with GATA5-related conditions. ClinVar contains an entry for this variant (Variation ID: 1402743). An algorithm developed to predict the effect of missense changes on protein structure and function (PolyPhen-2) suggests that this variant is likely to be tolerated. In summary, the available evidence is currently insufficient to determine the role of this variant in disease. Therefore, it has been classified as a Variant of Uncertain Significance.

NM_080473.5(GATA5):c.1169C>T (p.Ala390Val)

Gene: GATA5 (GATA binding protein 5; minus strand). Cytogenetic location: 20q13.33.
Variant type: single nucleotide variant.
Coding change: c.1169C>T on transcript NM_080473.5 (MANE Select); coding-DNA position 1169, C replaced by T.
Protein change: p.Ala390Val; replaces alanine 390 with valine.
Molecular consequence: missense variant.
Genome position (GRCh38, 1-based): chr20:62,464,861, G>A on the plus strand (C>T on the coding strand, the complement: GATA5 is on the minus strand). VCF-style: chr20-62464861-G-A. GRCh37 (hg19) VCF-style: chr20-61039917-G-A.
Other names: short protein forms A390V.
Identifiers: ClinVar variation 1402743 (VCV001402743.8), dbSNP rs782020634, ClinGen allele CA9946016.